The following is an entry in ClinVar:

NM_013382.7(POMT2):c.2161C>T (p.His721Tyr)

Gene: POMT2 (protein O-mannosyltransferase 2; minus strand). Cytogenetic location: 14q24.3.
Variant type: single nucleotide variant.
Coding change: c.2161C>T on transcript NM_013382.7 (MANE Select); coding-DNA position 2161, C replaced by T.
Protein change: p.His721Tyr; replaces histidine 721 with tyrosine.
Molecular consequence: missense variant.
Genome position (GRCh38, 1-based): chr14:77,277,468, G>A on the plus strand (C>T on the coding strand, the complement: POMT2 is on the minus strand). VCF-style: chr14-77277468-G-A. GRCh37 (hg19) VCF-style: chr14-77743811-G-A.
Other names: short protein forms H721Y.
Identifiers: ClinVar variation 1382313 (VCV001382313.3), dbSNP rs2140157155, ClinGen allele CA390512715.

ClinVar aggregate classification (germline): Uncertain significance (1 of 4 stars; one submission).

Conditions:
Muscular dystrophy-dystroglycanopathy (congenital with brain and eye anomalies), type A2. Also called: MUSCULAR DYSTROPHY-DYSTROGLYCANOPATHY (CONGENITAL WITH BRAIN AND EYE ANOMALIES), TYPE A, 2; WALKER-WARBURG SYNDROME OR MUSCLE-EYE-BRAIN DISEASE, POMT2-RELATED. Identifiers: Orphanet 588, Orphanet 899, MedGen C3150411, MONDO:0013154, OMIM 613150.
Autosomal recessive limb-girdle muscular dystrophy type 2N. Also called: MUSCULAR DYSTROPHY-DYSTROGLYCANOPATHY, LIMB-GIRDLE, POMT2-RELATED; Muscular dystrophy-dystroglycanopathy (limb-girdle), type C, 2. Identifiers: Orphanet 206559, MedGen C3150418, MONDO:0013162, OMIM 613158.
Muscular dystrophy-dystroglycanopathy (congenital with impaired intellectual development), type B, 2. Also called: MUSCULAR DYSTROPHY, CONGENITAL, POMT2-RELATED; Muscular dystrophy-dystroglycanopathy (congenital with intellectual disability), type B2. Identifiers: MedGen C3150416, MONDO:0013160, OMIM 613156.

Allele frequency attached by ClinVar (database versions not stated): gnomAD exomes below 0.00001.
gnomAD v4.1: 1 of 1,613,152 alleles (0.000062%); highest among the groups gnomAD compares: South Asian, 0.0011%; no homozygotes.

Submission:

Labcorp Genetics (formerly Invitae), Labcorp
Classification: Uncertain significance for Muscular dystrophy-dystroglycanopathy (congenital with impaired intellectual development), type B, 2; Muscular dystrophy-dystroglycanopathy (congenital with brain and eye anomalies), type A2; Autosomal recessive limb-girdle muscular dystrophy type 2N. Last evaluated: 2021-09-19. Review status: criteria provided, single submitter. Criteria: Invitae Variant Classification Sherloc (09022015). Collection method: clinical testing. Allele origin: germline.
Comment: This sequence change replaces histidine with tyrosine at codon 721 of the POMT2 protein (p.His721Tyr). The histidine residue is highly conserved and there is a moderate physicochemical difference between histidine and tyrosine. This variant is not present in population databases (ExAC no frequency). This variant has not been reported in the literature in individuals affected with POMT2-related conditions. Algorithms developed to predict the effect of missense changes on protein structure and function (SIFT, PolyPhen-2, Align-GVGD) all suggest that this variant is likely to be tolerated. In summary, the available evidence is currently insufficient to determine the role of this variant in disease. Therefore, it has been classified as a Variant of Uncertain Significance.